The following continues an entry in ClinVar:

NM_000169.3(GLA):c.901C>G (p.Arg301Gly)

ClinVar aggregate classification (germline): Pathogenic. Pathogenic (10).

Submissions 10 to 11 of 11:

Women's Health and Genetics/Laboratory Corporation of America, LabCorp
Classification: Pathogenic for Fabry disease. Last evaluated: 2021-02-24. Review status: criteria provided, single submitter. Criteria: LabCorp Variant Classification Summary - May 2015. Collection method: clinical testing. Allele origin: germline.
Comment: Variant summary: GLA c.901C>G (p.Arg301Gly) results in a non-conservative amino acid change in the encoded protein sequence. Five of five in-silico tools predict a damaging effect of the variant on protein function. The variant was absent in 183457 control chromosomes. c.901C>G has been reported in the literature in multiple individuals affected with Fabry Disease, and in some patients specifically with reported Anderson-Fabry disease (Calcagnino_2011, Romani_2015, Liguori_2017, Shabeer_2002, Spinelli_2020). These data indicate that the variant is very likely to be associated with disease. Experimental studies have shown the variant to have reduced alpha-Gal activity in vitro: enzyme activity was 19.3% of wild-type, which increased to 56.5% with the addition of Migalastat (Lukas_2013); similarly the variant was reported with in vitro activity of 19.1% of wild-type, which increased to 64.7% of with the addition of Migalastat (Benjamin_2016). One clinical diagnostic laboratory has submitted clinical-significance assessments for this variant to ClinVar after 2014 without evidence for independent evaluation. One laboratory classified the variant as pathogenic. Based on the evidence outlined above, the variant was classified as pathogenic.

Laboratory for Molecular Medicine, Mass General Brigham Personalized Medicine
Classification: Uncertain significance. Last evaluated: 2014-02-14. Review status: flagged submission. Criteria: LMM Criteria. Collection method: clinical testing. Allele origin: germline. Observed: 1 variant allele. Not counted in ClinVar's aggregate classification.
Comment: Variant classified as Uncertain Significance - Favor Pathogenic. The Arg301Gly v ariant in GLA has been listed in HGMD as reported in an individual with Fabry di sease, though that publication could not be found. Studies have shown that this variant leads to reduce, but residual GLA function (Lukas 2013); however, this i n vitro assay may not accurately represent biological function. This variant was absent from large population studies. Other missense variants at this position (Arg301Gln, Arg301Pro) have been reported in individuals with Fabry disease (Sak uraba 1990, Ashley 2001), suggesting that variation at this position may not be tolerated, though additional studies are needed. Computational prediction tools and conservation analysis suggest that the Arg301Gly variant may impact the prot ein, though this information is not predictive enough to determine pathogenicity . Although this data supports that this variant may be pathogenic, additional st udies are needed to fully assess its clinical significance.
ClinVar note: Reason: Older and outlier claim with insufficient supporting evidence

Literature cited by the submitters: PubMed 30085001 (cited by 5 submitters); PubMed 36292965 (cited by 5 submitters); PubMed 32647377 (cited by 4 submitters); PubMed 21700093 (cited by 5 submitters); PubMed 26298600 (cited by 5 submitters); PubMed 35548424 (cited by 4 submitters); PubMed 31996269 (cited by Genomenon, Inc); PubMed 28936893 (cited by 3 submitters); PubMed 28672034 (cited by 3 submitters); PubMed 12175777 (cited by 6 submitters); PubMed 29982630 (cited by Genomenon, Inc); PubMed 33838691 (cited by Genomenon, Inc); PubMed 32023956 (cited by 3 submitters); PubMed 31899485 (cited by Genomenon, Inc and Natera, Inc.); PubMed 25409744 (cited by Genomenon, Inc); PubMed 23935525 (cited by 6 submitters); PubMed 27657681 (cited by 6 submitters); PubMed 2171331 (cited by Labcorp Genetics (formerly Invitae), Labcorp and Laboratory for Molecular Medicine, Mass General Brigham Personalized Medicine); PubMed 8738659 (cited by Labcorp Genetics (formerly Invitae), Labcorp); PubMed 9395081 (cited by Labcorp Genetics (formerly Invitae), Labcorp); PubMed 11688386 (cited by Labcorp Genetics (formerly Invitae), Labcorp); PubMed 15702404 (cited by Labcorp Genetics (formerly Invitae), Labcorp); PubMed 20505683 (cited by Labcorp Genetics (formerly Invitae), Labcorp); PubMed 21598360 (cited by Labcorp Genetics (formerly Invitae), Labcorp); PubMed 22241068 (cited by Labcorp Genetics (formerly Invitae), Labcorp); PubMed 23378663 (cited by Labcorp Genetics (formerly Invitae), Labcorp); PubMed 25655062 (cited by All of Us Research Program, National Institutes of Health and Color Diagnostics, LLC DBA Color Health); PubMed 27825144 (cited by All of Us Research Program, National Institutes of Health and Color Diagnostics, LLC DBA Color Health); PubMed 29626078 (cited by All of Us Research Program, National Institutes of Health and Color Diagnostics, LLC DBA Color Health); PubMed 32306159 (cited by 3 submitters); PubMed 7531540 (cited by Laboratory for Molecular Medicine, Mass General Brigham Personalized Medicine); PubMed 11322659 (cited by Laboratory for Molecular Medicine, Mass General Brigham Personalized Medicine).